The following is an entry in ClinVar:

ClinVar aggregate classification (germline): Uncertain significance. Review status: criteria provided, multiple submitters, no conflicts (2 of 4 stars). 2 submissions from 2 submitters: Uncertain significance (2). Last evaluated 2024-12-23.

Conditions:
Long QT syndrome (LQTS). Identifiers: MedGen C0023976, MeSH D008133, MONDO:0002442. Disease mechanism: loss of function. Inheritance: Various modes of inheritance.

Submissions (2):

Labcorp Genetics (formerly Invitae), Labcorp
Classification: Uncertain significance for Long QT syndrome. Last evaluated: 2024-12-23. Review status: criteria provided, single submitter. Criteria: Invitae Variant Classification Sherloc (09022015). Collection method: clinical testing. Allele origin: germline.
Comment: This sequence change replaces tyrosine, which is neutral and polar, with cysteine, which is neutral and slightly polar, at codon 1460 of the CACNA1C protein (p.Tyr1460Cys). This variant is not present in population databases (gnomAD no frequency). This variant has not been reported in the literature in individuals affected with CACNA1C-related conditions. Invitae Evidence Modeling of protein sequence and biophysical properties (such as structural, functional, and spatial information, amino acid conservation, physicochemical variation, residue mobility, and thermodynamic stability) indicates that this missense variant is expected to disrupt CACNA1C protein function with a positive predictive value of 95%. In summary, the available evidence is currently insufficient to determine the role of this variant in disease. Therefore, it has been classified as a Variant of Uncertain Significance.

GeneDx
Classification: Uncertain significance. Last evaluated: 2024-05-30. Review status: criteria provided, single submitter. Criteria: GeneDx Variant Classification Process June 2021. Collection method: clinical testing. Allele origin: germline. Affected: yes.
Comment: Not observed at significant frequency in large population cohorts (gnomAD); In silico analysis supports that this missense variant has a deleterious effect on protein structure/function; Has not been previously published as pathogenic or benign to our knowledge

NM_000719.7(CACNA1C):c.4379A>G (p.Tyr1460Cys)

Gene: CACNA1C (calcium voltage-gated channel subunit alpha1 C; plus strand). Cytogenetic location: 12p13.33.
Variant type: single nucleotide variant.
Coding change: c.4379A>G on transcript NM_000719.7 (MANE Select); coding-DNA position 4379, A replaced by G.
Protein change: p.Tyr1460Cys; replaces tyrosine 1460 with cysteine.
Molecular consequence: missense variant.
Genome position (GRCh38, 1-based): chr12:2,664,971, A>G. VCF-style: chr12-2664971-A-G. GRCh37 (hg19) VCF-style: chr12-2774137-A-G.
Other names: c.4370A>G, p.Tyr1457Cys (NM_001129844.2); c.4346A>G, p.Tyr1449Cys (NM_001129846.2, NM_001167625.2, NM_001129837.2 and 1 more transcripts); c.4379A>G, p.Tyr1460Cys (NM_001167623.2, NM_001167624.3, NM_001129834.2 and 7 more transcripts); c.4523A>G, p.Tyr1508Cys (NM_199460.4, NM_001129827.2); c.4430A>G, p.Tyr1477Cys (NM_001129836.2); c.4340A>G, p.Tyr1447Cys (NM_001129839.2); c.4445A>G, p.Tyr1482Cys (NM_001129829.2); c.4463A>G, p.Tyr1488Cys (NM_001129831.2); and 1 more; short protein forms Y1447C, Y1449C, Y1457C, Y1460C, Y1477C, Y1480C, Y1482C, Y1488C.
Identifiers: ClinVar variation 3383853 (VCV003383853.3).